The following is an entry in ClinVar:

NM_002691.4(POLD1):c.163G>A (p.Glu55Lys)

Gene: POLD1 (DNA polymerase delta 1, catalytic subunit; plus strand). Cytogenetic location: 19q13.33.
Variant type: single nucleotide variant.
Coding change: c.163G>A on transcript NM_002691.4 (MANE Select); coding-DNA position 163, G replaced by A.
Protein change: p.Glu55Lys; replaces glutamic acid 55 with lysine.
Molecular consequence: missense variant. On other transcripts: non-coding transcript variant (1).
Genome position (GRCh38, 1-based): chr19:50,399,014, G>A. VCF-style: chr19-50399014-G-A. GRCh37 (hg19) VCF-style: chr19-50902271-G-A.
Other names: c.163G>A, p.Glu55Lys (NM_001256849.1, NM_001308632.1); short protein forms E55K.
Identifiers: ClinVar variation 1436661 (VCV001436661.10), dbSNP rs2122197086, ClinGen allele CA406970283.

ClinVar aggregate classification (germline): Uncertain significance. Review status: criteria provided, multiple submitters, no conflicts (2 of 4 stars). 2 submissions from 2 submitters: Uncertain significance (2). Last evaluated 2022-08-23.

Conditions:
POLD1-related polyposis and colorectal cancer syndrome (CRCS10). Also called: Colorectal cancer 10; COLORECTAL CANCER, SUSCEPTIBILITY TO, ON CHROMOSOME 19q; Colorectal cancer, susceptibility to, 10. Identifiers: Orphanet 220460, MedGen C2675481, MONDO:0012953, OMIM 612591.
Hereditary cancer-predisposing syndrome. Also called: Neoplastic Syndromes, Hereditary; Tumor predisposition; Hereditary Cancer Syndrome; Hereditary neoplastic syndrome. Identifiers: Orphanet 140162, MedGen C0027672, MeSH D009386, MONDO:0015356.

Submissions (2):

Labcorp Genetics (formerly Invitae), Labcorp
Classification: Uncertain significance for POLD1-related polyposis and colorectal cancer syndrome. Last evaluated: 2022-08-23. Review status: criteria provided, single submitter. Criteria: Invitae Variant Classification Sherloc (09022015). Collection method: clinical testing. Allele origin: germline.
Comment: In summary, the available evidence is currently insufficient to determine the role of this variant in disease. Therefore, it has been classified as a Variant of Uncertain Significance. Algorithms developed to predict the effect of missense changes on protein structure and function are either unavailable or do not agree on the potential impact of this missense change (SIFT: "Deleterious"; PolyPhen-2: "Probably Damaging"; Align-GVGD: "Class C0"). ClinVar contains an entry for this variant (Variation ID: 1436661). This variant has not been reported in the literature in individuals affected with POLD1-related conditions. This variant is not present in population databases (gnomAD no frequency). This sequence change replaces glutamic acid, which is acidic and polar, with lysine, which is basic and polar, at codon 55 of the POLD1 protein (p.Glu55Lys).

Ambry Genetics
Classification: Uncertain significance for Hereditary cancer-predisposing syndrome. Last evaluated: 2022-04-03. Review status: criteria provided, single submitter. Criteria: Ambry Variant Classification Scheme 2023. Collection method: clinical testing. Allele origin: germline.
Comment: The p.E55K variant (also known as c.163G>A), located in coding exon 1 of the POLD1 gene, results from a G to A substitution at nucleotide position 163. The glutamic acid at codon 55 is replaced by lysine, an amino acid with similar properties. This amino acid position is conserved. In addition, this alteration is predicted to be tolerated by in silico analysis. Since supporting evidence is limited at this time, the clinical significance of this alteration remains unclear.